The following is an entry in ClinVar:

ClinVar aggregate classification (germline): Uncertain significance. Review status: criteria provided, multiple submitters, no conflicts (2 of 4 stars). 3 submissions from 3 submitters: Uncertain significance (2). 1 of the submissions does not count toward it. Last evaluated 2024-12-18.

Conditions:
ABCC2-related disorder. Also called: ABCC2-related condition.

Allele frequency attached by ClinVar (database versions not stated): gnomAD 0.00001 and 0.00002; TOPMed 0.00002; gnomAD exomes 0.00005 and 0.00012; ExAC 0.00010; 1000 Genomes Project 0.00020; 1000 Genomes Project 30x 0.00031.
gnomAD v4.1: 34 of 1,614,218 alleles (0.0021%); highest among the groups gnomAD compares: Admixed American, 0.057%; no homozygotes.

Submissions (3):

Labcorp Genetics (formerly Invitae), Labcorp
Classification: Uncertain significance. Last evaluated: 2024-12-18. Review status: criteria provided, single submitter. Criteria: Invitae Variant Classification Sherloc (09022015). Collection method: clinical testing. Allele origin: germline.
Comment: This sequence change replaces aspartic acid, which is acidic and polar, with glycine, which is neutral and non-polar, at codon 1461 of the ABCC2 protein (p.Asp1461Gly). This variant is present in population databases (rs201658889, gnomAD 0.09%). This variant has not been reported in the literature in individuals affected with ABCC2-related conditions. ClinVar contains an entry for this variant (Variation ID: 497787). Invitae Evidence Modeling of protein sequence and biophysical properties (such as structural, functional, and spatial information, amino acid conservation, physicochemical variation, residue mobility, and thermodynamic stability) indicates that this missense variant is expected to disrupt ABCC2 protein function with a positive predictive value of 80%. In summary, the available evidence is currently insufficient to determine the role of this variant in disease. Therefore, it has been classified as a Variant of Uncertain Significance.

Eurofins Ntd Llc (ga)
Classification: Uncertain significance. Last evaluated: 2017-10-04. Review status: criteria provided, single submitter. Criteria: EGL Classification Definitions 2015. Collection method: clinical testing. Allele origin: germline. Observed: 4 variant alleles, 2 heterozygotes, 2 homozygotes.

PreventionGenetics, part of Exact Sciences
Classification: Uncertain significance for ABCC2-related condition. Last evaluated: 2024-03-19. Review status: no assertion criteria provided. Collection method: clinical testing. Allele origin: germline. Not counted in ClinVar's aggregate classification.
Comment: The ABCC2 c.4382A>G variant is predicted to result in the amino acid substitution p.Asp1461Gly. To our knowledge, this variant has not been reported in the literature. This variant is reported in 0.087% of alleles in individuals of Latino descent in gnomAD. Although we suspect that this variant may be benign, at this time, the clinical significance of this variant is uncertain due to the absence of conclusive functional and genetic evidence.

NM_000392.5(ABCC2):c.4382A>G (p.Asp1461Gly)

Gene: ABCC2 (ATP binding cassette subfamily C member 2; plus strand). Cytogenetic location: 10q24.2.
Variant type: single nucleotide variant.
Coding change: c.4382A>G on transcript NM_000392.5 (MANE Select); coding-DNA position 4382, A replaced by G.
Protein change: p.Asp1461Gly; replaces aspartic acid 1461 with glycine.
Molecular consequence: missense variant.
Genome position (GRCh38, 1-based): chr10:99,850,670, A>G. VCF-style: chr10-99850670-A-G. GRCh37 (hg19) VCF-style: chr10-101610427-A-G.
Other names: c.4382A>G, p.Asp1461Gly (LRG_1208t1); c.4382A>G (NM_000392.4); short protein forms D1461G.
Identifiers: ClinVar variation 497787 (VCV000497787.8), dbSNP rs201658889, ClinGen allele CA5644122.